The following is an entry in ClinVar:

NM_001370259.2(MEN1):c.949C>T (p.His317Tyr)

Gene: MEN1 (menin 1; minus strand). Cytogenetic location: 11q13.1.
Variant type: single nucleotide variant.
Coding change: c.949C>T on transcript NM_001370259.2 (MANE Select); coding-DNA position 949, C replaced by T.
Protein change: p.His317Tyr; replaces histidine 317 with tyrosine.
Molecular consequence: missense variant.
Genome position (GRCh38, 1-based): chr11:64,806,332, G>A on the plus strand (C>T on the coding strand, the complement: MEN1 is on the minus strand). VCF-style: chr11-64806332-G-A. GRCh37 (hg19) VCF-style: chr11-64573804-G-A.
Other names: c.964C>T, p.His322Tyr (NM_000244.4, NM_130800.3, NM_130801.3 and 3 more transcripts); c.949C>T, p.His317Tyr (NM_001370251.2, NM_001370260.2, NM_001370261.2 and 1 more transcripts); c.844C>T, p.His282Tyr (NM_001370262.2, NM_001370263.2); short protein forms H317Y, H322Y, H282Y.
Identifiers: ClinVar variation 1524328 (VCV001524328.15), dbSNP rs2136120898, ClinGen allele CA381183389.

ClinVar aggregate classification (germline): Pathogenic/Likely pathogenic. Review status: criteria provided, multiple submitters, no conflicts (2 of 4 stars). 5 submissions from 5 submitters: Pathogenic (1); Likely pathogenic (4). Last evaluated 2026-04-13.

Conditions:
Multiple endocrine neoplasia, type 1 (MEN1). Also called: MEA I; MEN I; WERMER SYNDROME; Endocrine adenomatosis multiple; MEN 1. Identifiers: Orphanet 652, MedGen C0025267, MeSH D018761, MONDO:0007540, OMIM 131100.
Hereditary cancer-predisposing syndrome. Also called: Neoplastic Syndromes, Hereditary; Hereditary neoplastic syndrome; Tumor predisposition; Hereditary Cancer Syndrome. Identifiers: Orphanet 140162, MedGen C0027672, MeSH D009386, MONDO:0015356.

Allele frequency attached by ClinVar (database versions not stated): gnomAD exomes below 0.00001.
gnomAD v4.1: 1 of 1,614,202 alleles (0.000062%); highest among the groups gnomAD compares: Non-Finnish European, 0.000085%; no homozygotes.

Submissions (5):

Dasa
Classification: Likely pathogenic for Multiple endocrine neoplasia, type 1. Last evaluated: 2026-04-13. Review status: criteria provided, single submitter. Criteria: DASA Assertion Criteria. Collection method: clinical testing. Allele origin: germline.
Comment: NM_001370259.2(MEN1):c.949C>T (p.His317Tyr) is a missense variant that results in the substitution of histidine with tyrosine. Functional evidence supports an impact on the gene or gene product (PMID: 24183932). Also, this variant is rare in population databases. Computational evidence supports a deleterious effect. Based on the currently available evidence, this variant is classified as likely pathogenic.

Baylor Genetics
Classification: Likely pathogenic for Multiple Endocrine Neoplasia Type 1. Last evaluated: 2023-11-22. Review status: criteria provided, single submitter. Criteria: ACMG Guidelines, 2015. Collection method: clinical testing. Allele origin: unknown.

Labcorp Genetics (formerly Invitae), Labcorp
Classification: Pathogenic for Multiple endocrine neoplasia, type 1. Last evaluated: 2023-11-03. Review status: criteria provided, single submitter. Criteria: Invitae Variant Classification Sherloc (09022015). Collection method: clinical testing. Allele origin: germline.
Comment: This sequence change replaces histidine, which is basic and polar, with tyrosine, which is neutral and polar, at codon 317 of the MEN1 protein (p.His317Tyr). This variant is not present in population databases (gnomAD no frequency). This missense change has been observed in individuals with multiple endocrine neoplasia type 1 (PMID: 12112656, 30820182, 32901291; Invitae). ClinVar contains an entry for this variant (Variation ID: 1524328). Advanced modeling of protein sequence and biophysical properties (such as structural, functional, and spatial information, amino acid conservation, physicochemical variation, residue mobility, and thermodynamic stability) performed at Invitae indicates that this missense variant is expected to disrupt MEN1 protein function with a positive predictive value of 95%. Experimental studies have shown that this missense change affects MEN1 function (PMID: 18775714, 21819486, 24183932). For these reasons, this variant has been classified as Pathogenic.

Quest Diagnostics Nichols Institute San Juan Capistrano
Classification: Likely pathogenic. Last evaluated: 2021-06-22. Review status: criteria provided, single submitter. Criteria: Quest Diagnostics criteria. Collection method: clinical testing. Allele origin: unknown.
Comment: The variant has been reported in individuals and families with multiple endocrine neoplasia type 1 in the published literature (PMIDs: 30820182 (2019), 12652570 (2003), and 12112656 (2002)). In addition, published functional studies demonstrate that this variant is damaging to protein stability and normal response to DNA damage (PMIDs: 21819486 (2011) and 18775714 (2008)). Based on the available information, the variant is predicted to be likely pathogenic.

Ambry Genetics
Classification: Likely pathogenic for Hereditary cancer-predisposing syndrome. Last evaluated: 2021-04-08. Review status: criteria provided, single submitter. Criteria: Ambry Variant Classification Scheme 2023. Collection method: clinical testing. Allele origin: germline.
Comment: The p.H317Y variant (also known as c.949C>T), located in coding exon 6 of the MEN1 gene, results from a C to T substitution at nucleotide position 949. The histidine at codon 317 is replaced by tyrosine, an amino acid with similar properties. This alteration has been reported in a MEN1 family with at least two affected individuals with a history of primary hyperparathyroidism and/or carcinoid tumors (Wautot V et al. Hum Mutat, 2002 Jul;20:35-47). In one functional study examining the role of MEN1 in the apoptotic response, this variant showed an impairment in caspase-3 activation, p53 acetylation and p21 activation, as compared to wild-type (Bazzi W et al. Gastroenterology, 2008 Nov;135:1698-1709.e2). Another alteration at this codon, p.H317R (c.950A>G), has been observed in a proband suspected of having MEN1 with a history of hyperparathyroidism and a carcinoid tumor (Roijers, JF et al. Eur J Clin Invest. 2000 Jun;30(6):487-92) and in a MEN1 family with at least two affected individuals with a history of primary hyperparathyroidism and/or carcinoid tumors (Wautot, V et al. Hum Mutat. 2002 Jul;20(1):35-47). This amino acid position is well conserved in available vertebrate species. In addition, this alteration is predicted to be deleterious by in silico analysis. Based on the majority of available evidence to date, this variant is likely to be pathogenic.

Literature cited by the submitters: PubMed 21819486 (cited by 3 submitters); PubMed 24183932 (cited by 3 submitters); PubMed 12112656 (cited by 3 submitters); PubMed 30820182 (cited by Labcorp Genetics (formerly Invitae), Labcorp and Quest Diagnostics Nichols Institute San Juan Capistrano); PubMed 32901291 (cited by Labcorp Genetics (formerly Invitae), Labcorp and Quest Diagnostics Nichols Institute San Juan Capistrano); PubMed 18775714 (cited by 3 submitters); PubMed 30869828 (cited by Quest Diagnostics Nichols Institute San Juan Capistrano); PubMed 12652570 (cited by Quest Diagnostics Nichols Institute San Juan Capistrano).